The following is an entry in ClinVar:

ClinVar aggregate classification (germline): Uncertain significance (1 of 4 stars; one submission).

Allele frequency attached by ClinVar (database versions not stated): gnomAD exomes below 0.00001; TOPMed below 0.00001; gnomAD 0.00001.

Submission:

Labcorp Genetics (formerly Invitae), Labcorp
Classification: Uncertain significance. Last evaluated: 2021-03-20. Review status: criteria provided, single submitter. Criteria: Invitae Variant Classification Sherloc (09022015). Collection method: clinical testing. Allele origin: germline.
Comment: Algorithms developed to predict the effect of missense changes on protein structure and function (SIFT, PolyPhen-2, Align-GVGD) all suggest that this variant is likely to be tolerated, but these predictions have not been confirmed by published functional studies and their clinical significance is uncertain. This variant has not been reported in the literature in individuals with THBD-related conditions. This variant is not present in population databases (ExAC no frequency). This sequence change replaces glutamic acid with lysine at codon 159 of the THBD protein (p.Glu159Lys). The glutamic acid residue is weakly conserved and there is a small physicochemical difference between glutamic acid and lysine. In summary, the available evidence is currently insufficient to determine the role of this variant in disease. Therefore, it has been classified as a Variant of Uncertain Significance.

NM_000361.3(THBD):c.475G>A (p.Glu159Lys)

Gene: THBD (thrombomodulin; minus strand). Cytogenetic location: 20p11.21.
Variant type: single nucleotide variant.
Coding change: c.475G>A on transcript NM_000361.3 (MANE Select); coding-DNA position 475, G replaced by A.
Protein change: p.Glu159Lys; replaces glutamic acid 159 with lysine.
Molecular consequence: missense variant.
Genome position (GRCh38, 1-based): chr20:23,049,030, C>T on the plus strand (G>A on the coding strand, the complement: THBD is on the minus strand). VCF-style: chr20-23049030-C-T. GRCh37 (hg19) VCF-style: chr20-23029667-C-T.
Other names: short protein forms E159K.
Identifiers: ClinVar variation 1517817 (VCV001517817.8), dbSNP rs1984663490, ClinGen allele CA408407602.